The following is an entry in ClinVar:

NM_016507.4(CDK12):c.805A>T (p.Thr269Ser)

Genes: CDK12 (cyclin dependent kinase 12; plus strand), LOC126862553 (CDK7 strongly-dependent group 2 enhancer GRCh37_chr17:37618166-37619365; plus strand). Cytogenetic location: 17q12.
Variant type: single nucleotide variant.
Coding change: c.805A>T on transcript NM_016507.4 (MANE Select); coding-DNA position 805, A replaced by T.
Protein change: p.Thr269Ser; replaces threonine 269 with serine.
Molecular consequence: missense variant.
Genome position (GRCh38, 1-based): chr17:39,462,876, A>T. VCF-style: chr17-39462876-A-T. GRCh37 (hg19) VCF-style: chr17-37619129-A-T.
Other names: c.805A>T, p.Thr269Ser (NM_015083.4); short protein forms T269S.
Identifiers: ClinVar variation 3999410 (VCV003999410.1).

ClinVar aggregate classification (germline): Uncertain significance (1 of 4 stars; one submission).

gnomAD v4.1: 1 of 1,614,146 alleles (0.000062%); highest among the groups gnomAD compares: Admixed American, 0.0017%; no homozygotes.

Submission:

Ambry Genetics
Classification: Uncertain significance. Last evaluated: 2025-05-02. Review status: criteria provided, single submitter. Criteria: Ambry Variant Classification Scheme 2023. Collection method: clinical testing. Allele origin: germline.
Comment: The p.T269S variant (also known as c.805A>T), located in coding exon 1 of the CDK12 gene, results from an A to T substitution at nucleotide position 805. The threonine at codon 269 is replaced by serine, an amino acid with similar properties. This amino acid position is conserved. In addition, this alteration is predicted to be tolerated by in silico analysis. Based on the available evidence, the clinical significance of this variant remains unclear.